The following is an entry in ClinVar:

ClinVar aggregate classification (germline): Uncertain significance (1 of 4 stars; one submission).

Submission:

Labcorp Genetics (formerly Invitae), Labcorp
Classification: Uncertain significance. Last evaluated: 2023-08-11. Review status: criteria provided, single submitter. Criteria: Invitae Variant Classification Sherloc (09022015). Collection method: clinical testing. Allele origin: germline.
Comment: This variant is not present in population databases (gnomAD no frequency). This sequence change replaces alanine, which is neutral and non-polar, with glycine, which is neutral and non-polar, at codon 42 of the ARID1B protein (p.Ala42Gly). This variant has not been reported in the literature in individuals affected with ARID1B-related conditions. In summary, the available evidence is currently insufficient to determine the role of this variant in disease. Therefore, it has been classified as a Variant of Uncertain Significance. Advanced modeling of protein sequence and biophysical properties (such as structural, functional, and spatial information, amino acid conservation, physicochemical variation, residue mobility, and thermodynamic stability) performed at Invitae indicates that this missense variant is not expected to disrupt ARID1B protein function.

NM_001374828.1(ARID1B):c.374C>G (p.Ala125Gly)

Genes: ARID1B (AT-rich interaction domain 1B; plus strand), LOC115308161 (uncharacterized LOC115308161; minus strand). Cytogenetic location: 6q25.3.
Variant type: single nucleotide variant.
Coding change: c.374C>G on transcript NM_001374828.1 (MANE Select); coding-DNA position 374, C replaced by G.
Protein change: p.Ala125Gly; replaces alanine 125 with glycine.
Molecular consequence: missense variant.
Genome position (GRCh38, 1-based): chr6:156,778,054, C>G. VCF-style: chr6-156778054-C-G. GRCh37 (hg19) VCF-style: chr6-157099188-C-G.
Other names: c.125C>G, p.Ala42Gly (NM_001346813.1, NM_020732.3); c.374C>G, p.Ala125Gly (NM_001371656.1, NM_001374820.1, NM_017519.3); c.-50C>G (NM_175863.2); short protein forms A125G, A42G.
Identifiers: ClinVar variation 2751994 (VCV002751994.3), dbSNP rs1187699866, ClinGen allele CA366381181.
Genomic context (GRCh38, chr6:156,778,054, plus strand): 5'-AGGCGGCTCTCAAGGAGGGTGGAAGCGCCGCCGCGCTGTCCTCCTCCTCCTCCTCCTCCG[C>G]GGCGGCAGCGGCGGCATCCTCTTCCTCCTCGTCGGGCCCGGGCTCGGCCATGGAGACGGG-3'
Protein context (NP_001361757.1, residues 115-135): AALSSSSSSS[Ala125Gly]AAAAASSSSS